The following is an entry in ClinVar:

NM_001199138.2(NLRC4):c.876C>T (p.Ala292=)

Gene: NLRC4 (NLR family CARD domain containing 4; minus strand). Cytogenetic location: 2p22.3.
Variant type: single nucleotide variant.
Coding change: c.876C>T on transcript NM_001199138.2 (MANE Select); coding-DNA position 876, C replaced by T.
Protein change: p.Ala292=; no amino-acid change (alanine 292 retained).
Molecular consequence: synonymous variant. On other transcripts: intron variant (1).
Genome position (GRCh38, 1-based): chr2:32,250,988, G>A on the plus strand (C>T on the coding strand, the complement: NLRC4 is on the minus strand). VCF-style: chr2-32250988-G-A. GRCh37 (hg19) VCF-style: chr2-32476057-G-A.
Other names: c.876C>T, p.Ala292= (NM_001199139.2, NM_021209.5); c.262+1431C>T (NM_001302504.1).
Identifiers: ClinVar variation 2571069 (VCV002571069.27), dbSNP rs2466761939, ClinGen allele CA425621843.
Genomic context (GRCh38, chr2:32,250,988, plus strand): 5'-CACTTCTCGGATGAGAGCCTGGGCGCTGTCTTCTGTCATATCCCCCACCTCAGCAGTCAG[G>A]GCACCAAACTGCCGTATGTGCCTCAGGCACTCAGTGGTAGTGGTGACGATGACCATGTTC-3'
Protein context (NP_001186067.1, residues 282-302): ECLRHIRQFG[Ala292=]LTAEVGDMTE

ClinVar aggregate classification (germline): Likely benign (1 of 4 stars; one submission).

Submission:

CeGaT Center for Human Genetics Tuebingen
Classification: Likely benign. Last evaluated: 2023-05-01. Review status: criteria provided, single submitter. Criteria: CeGaT Center For Human Genetics Tuebingen Variant Classification Criteria Version 2. Collection method: clinical testing. Allele origin: germline. Affected: yes. Observed: 1 variant allele.
Comment: NLRC4: PM2:Supporting, BP4, BP7